The following is an entry in ClinVar:

NM_004999.4(MYO6):c.2866A>G (p.Met956Val)

Gene: MYO6 (myosin VI; plus strand). Cytogenetic location: 6q14.1.
Variant type: single nucleotide variant.
Coding change: c.2866A>G on transcript NM_004999.4 (MANE Select); coding-DNA position 2866, A replaced by G.
Protein change: p.Met956Val; replaces methionine 956 with valine.
Molecular consequence: missense variant. On other transcripts: non-coding transcript variant (1).
Genome position (GRCh38, 1-based): chr6:75,890,264, A>G. VCF-style: chr6-75890264-A-G. GRCh37 (hg19) VCF-style: chr6-76599981-A-G.
Other names: c.2866A>G, p.Met956Val (NM_001300899.2, NM_001368136.1, NM_001368137.1 and 2 more transcripts); c.2851A>G, p.Met951Val (NM_001368138.1); short protein forms M951V, M956V.
Identifiers: ClinVar variation 1310356 (VCV001310356.2), dbSNP rs2149368221, ClinGen allele CA364777292.

ClinVar aggregate classification (germline): Uncertain significance (1 of 4 stars; one submission).

Submission:

GeneDx
Classification: Uncertain significance. Last evaluated: 2019-11-20. Review status: criteria provided, single submitter. Criteria: GeneDx Variant Classification Process June 2021. Collection method: clinical testing. Allele origin: germline. Affected: yes.
Comment: Not observed in large population cohorts (Lek et al., 2016); In silico analysis, which includes protein predictors and evolutionary conservation, supports that this variant does not alter protein structure/function; Has not been previously published as pathogenic or benign to our knowledge